The following is an entry in ClinVar:

ClinVar aggregate classification (germline): Uncertain significance (1 of 4 stars; one submission).

Conditions:
Perlman syndrome (PRLMNS). Identifiers: Orphanet 2849, MedGen C0796113, MONDO:0009965, OMIM 267000.

gnomAD v4.1: 1 of 1,602,632 alleles (0.000062%); no homozygotes.

Submission:

Labcorp Genetics (formerly Invitae), Labcorp
Classification: Uncertain significance for Perlman syndrome. Last evaluated: 2022-05-03. Review status: criteria provided, single submitter. Criteria: Invitae Variant Classification Sherloc (09022015). Collection method: clinical testing. Allele origin: germline.
Comment: In summary, the available evidence is currently insufficient to determine the role of this variant in disease. Therefore, it has been classified as a Variant of Uncertain Significance. Variants that disrupt the consensus splice site are a relatively common cause of aberrant splicing (PMID: 17576681, 9536098). Algorithms developed to predict the effect of sequence changes on RNA splicing suggest that this variant is not likely to affect RNA splicing. This variant has not been reported in the literature in individuals affected with DIS3L2-related conditions. This variant is not present in population databases (gnomAD no frequency). This sequence change falls in intron 5 of the DIS3L2 gene. It does not directly change the encoded amino acid sequence of the DIS3L2 protein. It affects a nucleotide within the consensus splice site.

Literature cited by the submitters: PubMed 17576681; PubMed 9536098.

NM_152383.5(DIS3L2):c.367-3T>C

Gene: DIS3L2 (DIS3 like 3'-5' exoribonuclease 2; plus strand). Cytogenetic location: 2q37.1.
Variant type: single nucleotide variant.
Coding change: c.367-3T>C on transcript NM_152383.5 (MANE Select); 3 bases into the intron before coding-DNA position 367, T replaced by C.
Molecular consequence: intron variant.
Genome position (GRCh38, 1-based): chr2:232,087,484, T>C. VCF-style: chr2-232087484-T-C. GRCh37 (hg19) VCF-style: chr2-232952194-T-C.
Other names: c.367-3T>C (NM_001257281.2, NM_001257282.2).
Identifiers: ClinVar variation 2185985 (VCV002185985.4), dbSNP rs2469749301, ClinGen allele CA2580066006.
Genomic context (GRCh38, chr2:232,087,484, plus strand): 5'-AAATCTGCTCTTTTTTTTTTTTCCTCTCTCAGTGATTTAGCAGAATTTTTCTGTTTTCTT[T>C]AGGTAGTTAAACCAGAGAGCAATGACAAAGAAACAGAAGCTGCGTATGAATCAGATATCC-3'